The following is an entry in ClinVar:

NM_024411.5(PDYN):c.596G>C (p.Gly199Ala)

Genes: PDYN (prodynorphin; minus strand), PDYN-AS1 (PDYN antisense RNA 1; plus strand). Cytogenetic location: 20p13.
Variant type: single nucleotide variant.
Coding change: c.596G>C on transcript NM_024411.5 (MANE Select); coding-DNA position 596, G replaced by C.
Protein change: p.Gly199Ala; replaces glycine 199 with alanine.
Molecular consequence: missense variant.
Genome position (GRCh38, 1-based): chr20:1,980,492, C>G on the plus strand (G>C on the coding strand, the complement: PDYN is on the minus strand). VCF-style: chr20-1980492-C-G. GRCh37 (hg19) VCF-style: chr20-1961138-C-G.
Other names: c.596G>C, p.Gly199Ala (NM_001190892.1, NM_001190898.3, NM_001190899.2 and 1 more transcripts); c.596G>C (NM_024411.4); short protein forms G199A.
Identifiers: ClinVar variation 2975777 (VCV002975777.4), dbSNP rs949868832, ClinGen allele CA310825606.
Genomic context (GRCh38, chr20:1,980,492, plus strand): 5'-TTGAGCTTGGGACGAATGCGCCGCAAGAAGCCCCCATAGCGTTTGTACAGGTCCTCATGG[C>G]CCATGCTATCCCCGTCCCCCTCCCCAGCCACCTCTGAGCTCCTCTTGGGGTATTTGCGCA-3'
Protein context (NP_077722.1, residues 189-209): VAGEGDGDSM[Gly199Ala]HEDLYKRYGG

ClinVar aggregate classification (germline): Uncertain significance. Review status: criteria provided, multiple submitters, no conflicts (2 of 4 stars). 2 submissions from 2 submitters: Uncertain significance (2). Last evaluated 2025-02-18.

Conditions:
Inborn genetic diseases. Identifiers: MedGen C0950123, MeSH D030342.

Allele frequency attached by ClinVar (database versions not stated): TOPMed 0.00001.
gnomAD v4.1: 7 of 1,613,054 alleles (0.00043%); highest among the groups gnomAD compares: Admixed American, 0.0017%; no homozygotes.

Submissions (2):

Ambry Genetics
Classification: Uncertain significance for Inborn genetic diseases. Last evaluated: 2025-02-18. Review status: criteria provided, single submitter. Criteria: Ambry Variant Classification Scheme 2023. Collection method: clinical testing. Allele origin: germline.

Labcorp Genetics (formerly Invitae), Labcorp
Classification: Uncertain significance. Last evaluated: 2024-03-06. Review status: criteria provided, single submitter. Criteria: Invitae Variant Classification Sherloc (09022015). Collection method: clinical testing. Allele origin: germline.
Comment: This sequence change replaces glycine, which is neutral and non-polar, with alanine, which is neutral and non-polar, at codon 199 of the PDYN protein (p.Gly199Ala). This variant is present in population databases (no rsID available, gnomAD 0.003%). This variant has not been reported in the literature in individuals affected with PDYN-related conditions. Advanced modeling of protein sequence and biophysical properties (such as structural, functional, and spatial information, amino acid conservation, physicochemical variation, residue mobility, and thermodynamic stability) performed at Invitae indicates that this missense variant is not expected to disrupt PDYN protein function with a negative predictive value of 80%. In summary, the available evidence is currently insufficient to determine the role of this variant in disease. Therefore, it has been classified as a Variant of Uncertain Significance.